The following is an entry in ClinVar:

NM_000059.4(BRCA2):c.9256+630C>T

Gene: BRCA2 (BRCA2 DNA repair associated; plus strand). Cytogenetic location: 13q13.1.
Variant type: single nucleotide variant.
Coding change: c.9256+630C>T on transcript NM_000059.4 (MANE Select); 630 bases into the intron after coding-DNA position 9256, C replaced by T.
Molecular consequence: intron variant.
Genome position (GRCh38, 1-based): chr13:32,380,775, C>T. VCF-style: chr13-32380775-C-T. GRCh37 (hg19) VCF-style: chr13-32954912-C-T.
Other names: IVS 24+630C>T.
Identifiers: ClinVar variation 209849 (VCV000209849.1), dbSNP rs75562304, ClinGen allele CA276817.

ClinVar aggregate classification (germline): Benign (3 of 4 stars; one submission).

Conditions:
Breast-ovarian cancer, familial, susceptibility to, 2 (BROVCA2). Also called: BRCA2 Hereditary Breast and Ovarian Cancer. Identifiers: Orphanet 145, MedGen C2675520, MONDO:0012933, OMIM 612555. Disease mechanism: loss of function.

Allele frequency attached by ClinVar (database versions not stated): gnomAD 0.00054 and 0.00085; TOPMed 0.00072; 1000 Genomes Project 30x 0.00281; 1000 Genomes Project 0.00439.
gnomAD v4.1: 127 of 152,004 alleles (0.084%); highest among the groups gnomAD compares: East Asian, 1.7%; no homozygotes.

Submission:

Evidence-based Network for the Interpretation of Germline Mutant Alleles (ENIGMA)
Classification: Benign for Breast-ovarian cancer, familial 2. Last evaluated: 2015-01-12. Review status: reviewed by expert panel. Criteria: ENIGMA BRCA1/2 Classification Criteria (2015). Collection method: curation. Allele origin: germline.
Comment: Class 1 not pathogenic based on frequency >1% in an outbred sampleset. Frequency 0.01573 (Asian), derived from 1000 genomes (2012-04-30).